The following is an entry in ClinVar:

ClinVar aggregate classification (germline): Uncertain significance. Review status: criteria provided, multiple submitters, no conflicts (2 of 4 stars). 2 submissions from 2 submitters: Uncertain significance (2). Last evaluated 2024-02-24.

Allele frequency attached by ClinVar (database versions not stated): gnomAD exomes 0.00001; TOPMed 0.00001; gnomAD 0.00002.
gnomAD v4.1: 10 of 1,611,882 alleles (0.00062%); highest among the groups gnomAD compares: East Asian, 0.0022%; no homozygotes.

Submissions (2):

Labcorp Genetics (formerly Invitae), Labcorp
Classification: Uncertain significance. Last evaluated: 2024-02-24. Review status: criteria provided, single submitter. Criteria: Invitae Variant Classification Sherloc (09022015). Collection method: clinical testing. Allele origin: germline.
Comment: This sequence change replaces serine, which is neutral and polar, with leucine, which is neutral and non-polar, at codon 860 of the FCHO1 protein (p.Ser860Leu). This variant is present in population databases (no rsID available, gnomAD 0.005%). This variant has not been reported in the literature in individuals affected with FCHO1-related conditions. ClinVar contains an entry for this variant (Variation ID: 1486779). An algorithm developed to predict the effect of missense changes on protein structure and function (PolyPhen-2) suggests that this variant is likely to be disruptive. In summary, the available evidence is currently insufficient to determine the role of this variant in disease. Therefore, it has been classified as a Variant of Uncertain Significance.

Ambry Genetics
Classification: Uncertain significance. Last evaluated: 2023-12-14. Review status: criteria provided, single submitter. Criteria: Ambry Variant Classification Scheme 2023. Collection method: clinical testing. Allele origin: germline.

NM_015122.3(FCHO1):c.2579C>T (p.Ser860Leu)

Gene: FCHO1 (FCH and mu domain containing endocytic adaptor 1; plus strand). Cytogenetic location: 19p13.11.
Variant type: single nucleotide variant.
Coding change: c.2579C>T on transcript NM_015122.3 (MANE Select); coding-DNA position 2579, C replaced by T.
Protein change: p.Ser860Leu; replaces serine 860 with leucine.
Molecular consequence: missense variant. On other transcripts: synonymous variant (3), non-coding transcript variant (36).
Genome position (GRCh38, 1-based): chr19:17,787,778, C>T. VCF-style: chr19-17787778-C-T. GRCh37 (hg19) VCF-style: chr19-17898587-C-T.
Other names: c.2579C>T, p.Ser860Leu (NM_001161357.2, NM_001161358.2, NM_001384370.1 and 11 more transcripts); c.2429C>T, p.Ser810Leu (NM_001161359.2, NM_001384384.1, NM_001384385.1 and 1 more transcripts); c.2558C>T, p.Ser853Leu (NM_001384387.1); c.2540C>T, p.Ser847Leu (NM_001384388.1, NM_001384389.1); c.2504C>T, p.Ser835Leu (NM_001384390.1); c.2379C>T, p.Val793= (NM_001384391.1); c.2462C>T, p.Ser821Leu (NM_001384392.1, NM_001384393.1, NM_001384394.1 and 1 more transcripts); c.2303C>T, p.Ser768Leu (NM_001384396.1, NM_001384397.1, NM_001384398.1 and 4 more transcripts); and 6 more; short protein forms S768L, S810L, S821L, S835L, S847L, S753L, S853L, S860L.
Identifiers: ClinVar variation 1486779 (VCV001486779.9), dbSNP rs1234483121, ClinGen allele CA404759215.
Genomic context (GRCh38, chr19:17,787,778, plus strand): 5'-CAGGGCCCAGCACACCCAGCCCCGTGGCTGCACAGTTCACCAGCGAGGGGACCACTCTGT[C>T]GGGCGTGGACTTGGAACTGGTGGGCAGCGGTTACCGCATGTCGCTGGTGAAGAGGAGGTT-3'
Protein context (NP_055937.1, residues 850-870): AQFTSEGTTL[Ser860Leu]GVDLELVGSG